The following is an entry in ClinVar:

NM_001605.3(AARS1):c.1902C>T (p.Leu634=)

Gene: AARS1 (alanyl-tRNA synthetase 1; minus strand). Cytogenetic location: 16q22.1.
Variant type: single nucleotide variant.
Coding change: c.1902C>T on transcript NM_001605.3 (MANE Select); coding-DNA position 1902, C replaced by T.
Protein change: p.Leu634=; no amino-acid change (leucine 634 retained).
Molecular consequence: synonymous variant.
Genome position (GRCh38, 1-based): chr16:70,259,070, G>A on the plus strand (C>T on the coding strand, the complement: AARS1 is on the minus strand). VCF-style: chr16-70259070-G-A. GRCh37 (hg19) VCF-style: chr16-70292973-G-A.
Other names: c.1902C>T (NM_001605.2).
Identifiers: ClinVar variation 1682188 (VCV001682188.24), dbSNP rs2152154407, ClinGen allele CA496401218.

ClinVar aggregate classification (germline): Likely benign. Review status: criteria provided, multiple submitters, no conflicts (2 of 4 stars). 4 submissions from 4 submitters: Likely benign (4). Last evaluated 2025-11-19.

Conditions:
AARS1-related disorder. Also called: AARS1-related condition.
Charcot-Marie-Tooth disease type 2. Also called: Charcot-Marie-Tooth type 2. Identifiers: Orphanet 64746, MedGen C0270914, MONDO:0018993.

gnomAD v4.1: 12 of 1,614,156 alleles (0.00074%); highest among the groups gnomAD compares: Non-Finnish European, 0.001%; no homozygotes.

Submissions (4):

PreventionGenetics, part of Exact Sciences
Classification: Likely benign for AARS1-related condition. Last evaluated: 2025-11-19. Review status: criteria provided, single submitter. Criteria: ACMG Guidelines, 2015. Collection method: clinical testing. Allele origin: germline.
Comment: This variant is classified as likely benign based on ACMG/AMP sequence variant interpretation guidelines (Richards et al. 2015 PMID: 25741868, with internal and published modifications).

CeGaT Center for Human Genetics Tuebingen
Classification: Likely benign. Last evaluated: 2024-10-01. Review status: criteria provided, single submitter. Criteria: CeGaT Center For Human Genetics Tuebingen Variant Classification Criteria Version 2. Collection method: clinical testing. Allele origin: germline. Affected: yes. Observed: 1 variant allele.
Comment: AARS1: BP4, BP7

Labcorp Genetics (formerly Invitae), Labcorp
Classification: Likely benign for Charcot-Marie-Tooth disease type 2. Last evaluated: 2022-08-15. Review status: criteria provided, single submitter. Criteria: Invitae Variant Classification Sherloc (09022015). Collection method: clinical testing. Allele origin: germline.

Blueprint Genetics
Classification: Likely benign. Last evaluated: 2020-06-20. Review status: criteria provided, single submitter. Criteria: ACMG Guidelines, 2015. Collection method: clinical testing. Allele origin: germline.